The following is an entry in ClinVar:

NM_002894.3(RBBP8):c.152+1G>A

Gene: RBBP8 (RB binding protein 8, endonuclease; plus strand). Cytogenetic location: 18q11.2.
Variant type: single nucleotide variant.
Coding change: c.152+1G>A on transcript NM_002894.3 (MANE Select); the canonical splice donor site of the intron after coding-DNA position 152, G replaced by A.
Molecular consequence: splice donor variant.
Genome position (GRCh38, 1-based): chr18:22,946,487, G>A. VCF-style: chr18-22946487-G-A. GRCh37 (hg19) VCF-style: chr18-20526450-G-A.
Other names: c.152+1G>A (NM_203292.2, NM_203291.2).
Identifiers: ClinVar variation 1395452 (VCV001395452.7), dbSNP rs768080162, ClinGen allele CA8909704.

ClinVar aggregate classification (germline): Uncertain significance (1 of 4 stars; one submission).

Allele frequency attached by ClinVar (database versions not stated): gnomAD exomes below 0.00001; ExAC 0.00001.
gnomAD v4.1: 1 of 1,612,344 alleles (0.000062%); highest among the groups gnomAD compares: South Asian, 0.0011%; no homozygotes.

Submissions (2):

Labcorp Genetics (formerly Invitae), Labcorp
Classification: Uncertain significance. Last evaluated: 2024-10-15. Review status: criteria provided, single submitter. Criteria: Invitae Variant Classification Sherloc (09022015). Collection method: clinical testing. Allele origin: germline.
Comment: This sequence change affects a donor splice site in intron 3 of the RBBP8 gene. It is expected to disrupt RNA splicing. Variants that disrupt the donor or acceptor splice site typically lead to a loss of protein function (PMID: 16199547), however the current clinical and genetic evidence is not sufficient to establish whether loss-of-function variants in RBBP8 cause disease. This variant is present in population databases (rs768080162, gnomAD 0.003%). This variant has not been reported in the literature in individuals affected with RBBP8-related conditions. ClinVar contains an entry for this variant (Variation ID: 1395452). Algorithms developed to predict the effect of sequence changes on RNA splicing suggest that this variant may disrupt the consensus splice site. In summary, the available evidence is currently insufficient to determine the role of this variant in disease. Therefore, it has been classified as a Variant of Uncertain Significance.

Dr. Peter K. Rogan Lab, Western University
No classification provided (evidence only). Condition: Nonpapillary renal cell carcinoma. Review status: no classification provided. Collection method: in vitro. Allele origin: not applicable. Functional consequence: retained intron. Not counted in ClinVar's aggregate classification.

Literature cited by the submitters: PubMed 16199547 (cited by Labcorp Genetics (formerly Invitae), Labcorp).